The following is an entry in ClinVar:

ClinVar aggregate classification (germline): Pathogenic. Review status: criteria provided, multiple submitters, no conflicts (2 of 4 stars). 3 submissions from 3 submitters: Pathogenic (2). 1 of the submissions does not count toward it. Last evaluated 2022-08-12.

Conditions:
Anemia, nonspherocytic hemolytic, due to G6PD deficiency (CNSHA1). Also called: Class I glucose-6-phosphate dehydrogenase deficiency; Favism, susceptibility to; ANEMIA, CONGENITAL, NONSPHEROCYTIC HEMOLYTIC, 1; Hemolytic anemia due to G6PD deficiency. Identifiers: Orphanet 466026, MedGen C2720289, MONDO:0010480, OMIM 300908.

Submissions (3):

Dunham Lab, University of Washington
Classification: Pathogenic for Anemia, nonspherocytic hemolytic, due to G6PD deficiency. Last evaluated: 2022-08-12. Review status: criteria provided, single submitter. Criteria: Bayesian ACMG Guidelines, 2018. Collection method: curation. Allele origin: maternal. Affected: yes.
Comment: Variant found in hemizygotes in two unrelated families; all have deficiency and one in each family has CNSHA (PP4, PS4_M). On one family, three brothers and heterozygous mother all have deficiency (PP1). Activity in red blood cells is below detection threshold, and purified protein has decreased specific activity (45%) and stability (50%); mRNA stability is also decreased (PS3). Leads to deletion of one amino acid (PM4). Not found in gnomAD (PM2). Post_P 0.999 (odds of pathogenicity 6568, Prior_P 0.1).

Labcorp Genetics (formerly Invitae), Labcorp
Classification: Pathogenic for Anemia, nonspherocytic hemolytic, due to G6PD deficiency. Last evaluated: 2020-10-16. Review status: criteria provided, single submitter. Criteria: Invitae Variant Classification Sherloc (09022015). Collection method: clinical testing. Allele origin: germline.
Comment: This variant is not present in population databases (ExAC no frequency). For these reasons, this variant has been classified as Pathogenic. Experimental studies have shown that this variant affects G6PD protein function (PMID: 12130518). This variant has been observed in individual(s) with glucose-6-phosphate dehydrogenase (G6PD) deficiency (PMID: 12130518). It has also been observed to segregate with disease in related individuals. This variant is also known as G6PD Amsterdam in the literature. ClinVar contains an entry for this variant (Variation ID: 10419). This variant, c.180_182del, results in the deletion of 1 amino acid(s) of the G6PD protein (p.Leu61del), but otherwise preserves the integrity of the reading frame.

OMIM
Classification: Pathogenic for ANEMIA, CONGENITAL, NONSPHEROCYTIC HEMOLYTIC, 1. Last evaluated: 2002-08-01. Review status: no assertion criteria provided. Collection method: literature only. Allele origin: germline. Not counted in ClinVar's aggregate classification.

Literature cited by the submitters: PubMed 12130518 (cited by 3 submitters).

G6PD Amsterdam

Gene: G6PD (glucose-6-phosphate dehydrogenase; minus strand). Cytogenetic location: Xq28.
Variant type: Deletion.
Genome position: GRCh38 VCF-style: chrX-154536021-CAGA-C. GRCh37 (hg19) VCF-style: chrX-153764236-CAGA-C.
Other names: G6PD, 3-BP DEL, 180TCT; c.180_182delTCT (NM_001042351.1); c.270_272del, p.Leu91del (NM_000402.4); c.180_182del, p.Leu61del (NM_001042351.3, NM_001360016.2); short protein forms L61del, L91del.
Identifiers: ClinVar variation 10419 (VCV000010419.13), dbSNP rs2070404412, ClinGen allele CA1139667910.